The following is an entry in ClinVar:

NM_000179.3(MSH6):c.1167_1189dup (p.Tyr397fs)

Gene: MSH6 (mutS homolog 6; plus strand). Cytogenetic location: 2p16.3.
Variant type: Duplication.
Coding change: c.1167_1189dup on transcript NM_000179.3 (MANE Select); coding-DNA positions 1167 to 1189, 23 bases duplicated (CGATTTTGATGCATCTACACTCT).
Protein change: p.Tyr397fs; shifts the reading frame from tyrosine 397.
Molecular consequence: frameshift variant.
Genome position (GRCh38, 1-based): chr2:47,799,150-47,799,172, CGATTTTGATGCATCTACACTCT duplicated. VCF-style (leftmost placement, unchanged base first): chr2-47799149-C-CCGATTTTGATGCATCTACACTCT. GRCh37 (hg19) VCF-style: chr2-48026288-C-CCGATTTTGATGCATCTACACTCT.
Other names: c.777_799dup, p.Tyr267fs (NM_001281492.2); c.261_283dup, p.Tyr95fs (NM_001281493.2, NM_001281494.2); c.1263_1285dup, p.Tyr429Serfs (NM_001406795.1, NM_001406802.1); c.1167_1189dup, p.Tyr397Serfs (NM_001406796.1, NM_001406798.1, NM_001406800.1 and 4 more transcripts); c.870_892dup, p.Tyr298Serfs (NM_001406797.1, NM_001406801.1, NM_001406805.1 and 10 more transcripts); c.642_664dup, p.Tyr222Serfs (NM_001406799.1, NM_001406806.1, NM_001406807.1); c.1089_1111dup, p.Tyr371Serfs (NM_001406804.1); c.261_283dup, p.Tyr95Serfs (NM_001406811.1, NM_001406812.1, NM_001406814.1 and 4 more transcripts); and 3 more; short protein forms Y267fs, Y397fs, Y95fs.
Identifiers: ClinVar variation 1738350 (VCV001738350.2), dbSNP rs2530594094, ClinGen allele CA2580067513.
Genomic context (GRCh38, chr2:47,799,149, plus strand): 5'-CTTTAGAATGGCTTAAGGAGGAAAAGAGAAGAGATGAGCACAGGAGGAGGCCTGATCACC[C>CCGATTTTGATGCATCTACACTCT]CGATTTTGATGCATCTACACTCTATGTGCCTGAGGATTTCCTCAATTCTTGTACTCCTGG-3'

ClinVar aggregate classification (germline): Pathogenic (1 of 4 stars; one submission).

Conditions:
Hereditary cancer-predisposing syndrome. Also called: Hereditary Cancer Syndrome; Hereditary neoplastic syndrome; Neoplastic Syndromes, Hereditary; Tumor predisposition. Identifiers: Orphanet 140162, MedGen C0027672, MeSH D009386, MONDO:0015356.

Submission:

Ambry Genetics
Classification: Pathogenic for Hereditary cancer-predisposing syndrome. Last evaluated: 2018-05-23. Review status: criteria provided, single submitter. Criteria: Ambry Variant Classification Scheme 2023. Collection method: clinical testing. Allele origin: germline.
Comment: The c.1167_1189dup23 variant, located in coding exon 4 of the MSH6 gene, results from a duplication of 23 nucleotides at positions 1167 to 1189, causing a translational frameshift with a predicted alternate stop codon (p.Y397Sfs*22). This alteration is expected to result in loss of function by premature protein truncation or nonsense-mediated mRNA decay. As such, this alteration is interpreted as a disease-causing mutation.